The following is an entry in ClinVar:

ClinVar aggregate classification (germline): Benign/Likely benign. Review status: criteria provided, multiple submitters, no conflicts (2 of 4 stars). 5 submissions from 5 submitters: Benign (3); Likely benign (2). Last evaluated 2026-09-01.

Allele frequency attached by ClinVar (database versions not stated): gnomAD exomes 0.00028 and 0.00082; ExAC 0.00106; 1000 Genomes Project 0.00260; gnomAD 0.00297 and 0.00318; TOPMed 0.00329; 1000 Genomes Project 30x 0.00359; ESP Exome Variant Server 0.00415.
gnomAD v4.1: 874 of 1,601,186 alleles (0.055%); highest among the groups gnomAD compares: African/African-American, 0.97%; 3 homozygotes.

Submissions (5):

CeGaT Center for Human Genetics Tuebingen
Classification: Likely benign. Last evaluated: 2026-09-01. Review status: criteria provided, single submitter. Criteria: CeGaT Center For Human Genetics Tuebingen Variant Classification Criteria Version 2. Collection method: clinical testing. Allele origin: germline. Affected: yes. Observed: 1 variant allele.
Comment: PNPT1: BP4, BP7

Labcorp Genetics (formerly Invitae), Labcorp
Classification: Benign. Last evaluated: 2026-02-02. Review status: criteria provided, single submitter. Criteria: Invitae Variant Classification Sherloc (09022015). Collection method: clinical testing. Allele origin: germline.

Blueprint Genetics
Classification: Likely benign. Last evaluated: 2024-07-19. Review status: criteria provided, single submitter. Criteria: ACMG Guidelines, 2015. Collection method: clinical testing. Allele origin: germline.

GeneDx
Classification: Benign. Last evaluated: 2015-01-30. Review status: criteria provided, single submitter. Criteria: GeneDx Variant Classification (06012015). Collection method: clinical testing. Allele origin: germline. Affected: yes.
Comment: This variant is considered likely benign or benign based on one or more of the following criteria: it is a conservative change, it occurs at a poorly conserved position in the protein, it is predicted to be benign by multiple in silico algorithms, and/or has population frequency not consistent with disease.

Breakthrough Genomics
Classification: Benign. Review status: criteria provided, single submitter. Criteria: ACMG Guidelines, 2015. Collection method: not provided. Allele origin: germline. Inheritance: Autosomal recessive inheritance. Affected: yes.

NM_033109.5(PNPT1):c.906C>T (p.Tyr302=)

Gene: PNPT1 (polyribonucleotide nucleotidyltransferase 1; minus strand). Cytogenetic location: 2p16.1.
Variant type: single nucleotide variant.
Coding change: c.906C>T on transcript NM_033109.5 (MANE Select); coding-DNA position 906, C replaced by T.
Protein change: p.Tyr302=; no amino-acid change (tyrosine 302 retained).
Molecular consequence: synonymous variant.
Genome position (GRCh38, 1-based): chr2:55,672,007, G>A on the plus strand (C>T on the coding strand, the complement: PNPT1 is on the minus strand). VCF-style: chr2-55672007-G-A. GRCh37 (hg19) VCF-style: chr2-55899142-G-A.
Other names: p.Y302Y:TAC>TAT.
Identifiers: ClinVar variation 214998 (VCV000214998.15), dbSNP rs149239772, ClinGen allele CA320543.